The following is an entry in ClinVar:

ClinVar aggregate classification (germline): Conflicting classifications of pathogenicity. Review status: criteria provided, conflicting classifications (1 of 4 stars). 2 submissions from 2 submitters: Uncertain significance (1); Likely benign (1). Last evaluated 2025-11-25.

Conditions:
Cardiovascular phenotype. Identifiers: MedGen CN230736.
Hypercholesterolemia, autosomal dominant, type B (FHCL2). Also called: Familial hypercholesterolemia 2; Familial Hypercholesterolemia Type B; APOLIPOPROTEIN B-100, FAMILIAL DEFECTIVE; APOLIPOPROTEIN B-100, FAMILIAL LIGAND-DEFECTIVE; HYPERCHOLESTEROLEMIA, FAMILIAL, DUE TO LIGAND-DEFECTIVE APOLIPOPROTEIN B; Hyperlipoproteinemia Type IIb. Identifiers: MedGen C1704417, MONDO:0007751, OMIM 144010.
Familial hypobetalipoproteinemia 1. Also called: APOB-Related Familial Hypobetalipoproteinemia; Hypobetalipoproteinemia, normotriglyceridemic; Acanthocytosis with hypobetalipoproteinemia. Identifiers: MedGen C4551990, MONDO:0014252, OMIM 615558.

Allele frequency attached by ClinVar (database versions not stated): gnomAD 0.00001; gnomAD exomes 0.00001; TOPMed 0.00001.
gnomAD v4.1: 7 of 1,613,980 alleles (0.00043%); highest among the groups gnomAD compares: Admixed American, 0.0017%; no homozygotes.

Submissions (2):

Ambry Genetics
Classification: Uncertain significance for Cardiovascular phenotype. Last evaluated: 2025-11-25. Review status: criteria provided, single submitter. Criteria: Ambry Variant Classification Scheme 2023. Collection method: clinical testing. Allele origin: germline.
Comment: The p.D2884E variant (also known as c.8652T>G), located in coding exon 26 of the APOB gene, results from a T to G substitution at nucleotide position 8652. The aspartic acid at codon 2884 is replaced by glutamic acid, an amino acid with highly similar properties. This amino acid position is conserved. In addition, this alteration is predicted to be tolerated by in silico analysis. Based on the available evidence, the clinical significance of this variant remains unclear.

Labcorp Genetics (formerly Invitae), Labcorp
Classification: Likely benign for Familial hypobetalipoproteinemia 1; Hypercholesterolemia, autosomal dominant, type B. Last evaluated: 2025-07-19. Review status: criteria provided, single submitter. Criteria: Invitae Variant Classification Sherloc (09022015). Collection method: clinical testing. Allele origin: germline.

NM_000384.3(APOB):c.8652T>G (p.Asp2884Glu)

Gene: APOB (apolipoprotein B; minus strand). Cytogenetic location: 2p24.1.
Variant type: single nucleotide variant.
Coding change: c.8652T>G on transcript NM_000384.3 (MANE Select); coding-DNA position 8652, T replaced by G.
Protein change: p.Asp2884Glu; replaces aspartic acid 2884 with glutamic acid.
Molecular consequence: missense variant.
Genome position (GRCh38, 1-based): chr2:21,008,216, A>C on the plus strand (T>G on the coding strand, the complement: APOB is on the minus strand). VCF-style: chr2-21008216-A-C. GRCh37 (hg19) VCF-style: chr2-21231088-A-C.
Other names: c.8652T>G (NM_000384.2); short protein forms D2884E.
Identifiers: ClinVar variation 2096299 (VCV002096299.5), dbSNP rs1005934435, ClinGen allele CA43500082.